The following continues an entry in ClinVar:

NM_000051.4(ATM):c.7313C>T (p.Thr2438Ile)

ClinVar aggregate classification (germline): Conflicting classifications of pathogenicity. Uncertain significance (5); Benign (1); Likely benign (10).

Submissions 16 to 17 of 17:

Institute for Biomarker Research, Medical Diagnostic Laboratories, L.L.C.
Classification: Uncertain significance for Hereditary cancer-predisposing syndrome. Last evaluated: 2017-02-14. Review status: criteria provided, single submitter. Criteria: ACMG Guidelines, 2015. Collection method: clinical testing. Allele origin: germline.

Department of Pathology and Laboratory Medicine, Sinai Health System
Classification: Uncertain significance for Malignant tumor of breast. Review status: no assertion criteria provided. Collection method: clinical testing. Allele origin: unknown. Affected: yes. Study: The Canadian Open Genetics Repository (COGR). Not counted in ClinVar's aggregate classification.
Comment: The ATM p.Thr2438Ile variant was identified in 6 of 43,426 proband chromosomes (frequency: 0.0001) from individuals or families with ataxia telangiectasia, Lynch Syndrome, or breast cancer and was present in 4 of 58,628 control chromosomes (frequency: 0.00006) from healthy individuals (Momozawa 2018, Hirsch 2008, Decker 2017, Yurgelun 2015, Maxwell 2015). The variant was identified in dbSNP (rs147604227) as â€šÃ„Ãºwith uncertain significance, other alleleâ€šÃ„Ã¹, ClinVar (classified as uncertain significance by Integrated Genetics, GeneDx, Eurofins and 3 other submitters; as likely benign by Invitae and Ambry Genetics; and as benign by Color) and LOVD 3.0 (observed 3x). The variant was identified in control databases in 55 of 282,330 chromosomes at a frequency of 0.0002 (Genome Aggregation Database Feb 27, 2017). The variant was observed in the following populations: African in 50 of 24,936 chromosomes (freq: 0.002) and Latino in 5 of 35,420 chromosomes (freq: 0.0001), while it was not observed in the Ashkenazi Jewish, East Asian, Finnish, European, Other or South Asian populations. The variant was observed in an ataxia telangiectasia patient in cis with a pathogenic ATM variant (Li 2000), decreasing the likelihood that this variant has clinical significance. The p.Thr2438 residue is conserved in mammals and computational analyses (PolyPhen-2, SIFT, AlignGVGD, BLOSUM, MutationTaster) provide inconsistent predictions regarding the impact to the protein; this information is not very predictive of pathogenicity. The variant occurs outside of the splicing consensus sequence and in silico or computational prediction software programs (SpliceSiteFinder, MaxEntScan, NNSPLICE, GeneSplicer) do not predict a difference in splicing. In summary, based on the above information, the clinical significance of this variant cannot be determined with certainty at this time. This variant is classified as a variant of uncertain significance.

Literature cited by the submitters: PubMed 23555315 (cited by Women's Health and Genetics/Laboratory Corporation of America, LabCorp and Ambry Genetics); PubMed 25503501 (cited by Women's Health and Genetics/Laboratory Corporation of America, LabCorp); PubMed 21933854 (cited by Women's Health and Genetics/Laboratory Corporation of America, LabCorp); PubMed 25980754 (cited by Women's Health and Genetics/Laboratory Corporation of America, LabCorp and Sema4); PubMed 17333338 (cited by Women's Health and Genetics/Laboratory Corporation of America, LabCorp and Ambry Genetics); PubMed 10817650 (cited by 3 submitters); PubMed 26689913 (cited by Women's Health and Genetics/Laboratory Corporation of America, LabCorp and Sema4); PubMed 30287823 (cited by Women's Health and Genetics/Laboratory Corporation of America, LabCorp and Ambry Genetics); PubMed 31206626 (cited by Women's Health and Genetics/Laboratory Corporation of America, LabCorp); PubMed 29482223 (cited by Women's Health and Genetics/Laboratory Corporation of America, LabCorp); PubMed 33309985 (cited by Women's Health and Genetics/Laboratory Corporation of America, LabCorp); PubMed 33095795 (cited by Women's Health and Genetics/Laboratory Corporation of America, LabCorp and Sema4); PubMed 33747920 (cited by Women's Health and Genetics/Laboratory Corporation of America, LabCorp); PubMed 33421217 (cited by Women's Health and Genetics/Laboratory Corporation of America, LabCorp); PubMed 35039564 (cited by Women's Health and Genetics/Laboratory Corporation of America, LabCorp); PubMed 35264596 (cited by Women's Health and Genetics/Laboratory Corporation of America, LabCorp); PubMed 36243179 (cited by Women's Health and Genetics/Laboratory Corporation of America, LabCorp); PubMed 25085752 (cited by Myriad Genetics, Inc.).